The following is an entry in ClinVar:

NM_033380.3(COL4A5):c.911G>A (p.Gly304Glu)

Gene: COL4A5 (collagen type IV alpha 5 chain; plus strand). Cytogenetic location: Xq22.3.
Variant type: single nucleotide variant.
Coding change: c.911G>A on transcript NM_033380.3 (MANE Select); coding-DNA position 911, G replaced by A.
Protein change: p.Gly304Glu; replaces glycine 304 with glutamic acid.
Molecular consequence: missense variant.
Genome position (GRCh38, 1-based): chrX:108,581,002, G>A. VCF-style: chrX-108581002-G-A. GRCh37 (hg19) VCF-style: chrX-107824232-G-A.
Other names: c.911G>A, p.Gly304Glu (NM_000495.5); short protein forms G304E.
Identifiers: ClinVar variation 4065117 (VCV004065117.3).
Genomic context (GRCh38, chrX:108,581,002, plus strand): 5'-AAATGTATGTTGTTGCCCTATCATTTCTTTGTATCCTATAGGGTAAACCAGGCAAAGATG[G>A]AGAAAATGGCCAACCAGGAATTCCTGTAAGTAGCTAAGGTTCTTTCCCCCTGCAAAACTG-3'
Protein context (NP_203699.1, residues 294-314): PGKRGKPGKD[Gly304Glu]ENGQPGIPGL

ClinVar aggregate classification (germline): Likely pathogenic. Review status: criteria provided, multiple submitters, no conflicts (2 of 4 stars). 2 submissions from 2 submitters: Likely pathogenic (2). Last evaluated 2026-03-04.

Conditions:
X-linked Alport syndrome (ATS1). Also called: NEPHROPATHY AND DEAFNESS, X-LINKED; COL4A5-Related Nephropathy. Identifiers: Orphanet 63, Orphanet 88917, MedGen C4746986, MONDO:0010520, OMIM 301050.
Hematuria. Identifiers: MedGen C0018965, HP:0000790.

Submissions (2):

Genetics Laboratory, Great Ormond Street Hospital NHS Foundation Trust, North Thames Genomic Laboratory Hub
Classification: Likely pathogenic for Haematuria. Last evaluated: 2026-03-04. Review status: criteria provided, single submitter. Criteria: ACGS Best Practice Guidelines for Variant Classification in Rare Disease 2024 v1.2. Collection method: clinical testing. Allele origin: germline. Affected: yes.
Comment: PM2_moderate, PP3_supporting, PM1_strong

Natera, Inc.
Classification: Likely pathogenic for X-linked Alport syndrome. Last evaluated: 2025-02-18. Review status: criteria provided, single submitter. Criteria: Natera Variant Classification Schema (03/2026). Collection method: clinical testing. Allele origin: germline.
Comment: The c.911G>A variant in COL4A5 is a missense variant predicted to cause substitution of glycine to glutamic acid at amino acid 304. This variant is rare in the general population with a frequency below the threshold expected for the associated phenotype(s). This variant is located in a functionally critical region of the protein. Computational prediction algorithms indicate this variant is likely to affect gene or protein function. Given the available evidence, this variant is classified as Likely Pathogenic.